The following is an entry in ClinVar:

ClinVar aggregate classification (germline): Likely benign. Review status: criteria provided, multiple submitters, no conflicts (2 of 4 stars). 3 submissions from 3 submitters: Likely benign (2). 1 of the submissions does not count toward it. Last evaluated 2023-03-01.

Conditions:
DNAH17-related disorder. Also called: DNAH17-related condition.
Inborn genetic diseases. Identifiers: MedGen C0950123, MeSH D030342.

Allele frequency attached by ClinVar (database versions not stated): gnomAD exomes 0.00016; ExAC 0.00055; ESP Exome Variant Server 0.00176; gnomAD 0.00190; 1000 Genomes Project 30x 0.00203; TOPMed 0.00206; 1000 Genomes Project 0.00220.

Submissions (3):

CeGaT Center for Human Genetics Tuebingen
Classification: Likely benign. Last evaluated: 2023-03-01. Review status: criteria provided, single submitter. Criteria: CeGaT Center For Human Genetics Tuebingen Variant Classification Criteria Version 2. Collection method: clinical testing. Allele origin: germline. Affected: yes. Observed: 1 variant allele.
Comment: DNAH17: BP4, BS2

Ambry Genetics
Classification: Likely benign for Inborn genetic diseases. Last evaluated: 2022-08-12. Review status: criteria provided, single submitter. Criteria: Ambry Variant Classification Scheme 2023. Collection method: clinical testing. Allele origin: germline.

PreventionGenetics, part of Exact Sciences
Classification: Likely benign for DNAH17-related condition. Last evaluated: 2019-04-11. Review status: no assertion criteria provided. Collection method: clinical testing. Allele origin: germline. Not counted in ClinVar's aggregate classification.
Comment: This variant is classified as likely benign based on ACMG/AMP sequence variant interpretation guidelines (Richards et al. 2015 PMID: 25741868, with internal and published modifications).

NM_173628.4(DNAH17):c.255G>C (p.Glu85Asp)

Gene: DNAH17 (dynein axonemal heavy chain 17; minus strand). Cytogenetic location: 17q25.3.
Variant type: single nucleotide variant.
Coding change: c.255G>C on transcript NM_173628.4 (MANE Select); coding-DNA position 255, G replaced by C.
Protein change: p.Glu85Asp; replaces glutamic acid 85 with aspartic acid.
Molecular consequence: missense variant.
Genome position (GRCh38, 1-based): chr17:78,574,803, C>G on the plus strand (G>C on the coding strand, the complement: DNAH17 is on the minus strand). VCF-style: chr17-78574803-C-G. GRCh37 (hg19) VCF-style: chr17-76570885-C-G.
Other names: short protein forms E85D.
Identifiers: ClinVar variation 2255495 (VCV002255495.27), dbSNP rs199725961, ClinGen allele CA8805734.